The following is an entry in ClinVar:

NM_004260.4(RECQL4):c.1939C>G (p.Arg647Gly)

Gene: RECQL4 (RecQ like helicase 4; minus strand). Cytogenetic location: 8q24.3.
Variant type: single nucleotide variant.
Coding change: c.1939C>G on transcript NM_004260.4 (MANE Select); coding-DNA position 1939, C replaced by G.
Protein change: p.Arg647Gly; replaces arginine 647 with glycine.
Molecular consequence: missense variant.
Genome position (GRCh38, 1-based): chr8:144,514,047, G>C on the plus strand (C>G on the coding strand, the complement: RECQL4 is on the minus strand). VCF-style: chr8-144514047-G-C. GRCh37 (hg19) VCF-style: chr8-145739431-G-C.
Other names: short protein forms R647G.
Identifiers: ClinVar variation 459358 (VCV000459358.7), dbSNP rs775127620, ClinGen allele CA372680451.

ClinVar aggregate classification (germline): Uncertain significance. Review status: criteria provided, multiple submitters, no conflicts (2 of 4 stars). 3 submissions from 3 submitters: Uncertain significance (3). Last evaluated 2024-11-30.

Conditions:
Inborn genetic diseases. Identifiers: MedGen C0950123, MeSH D030342.
Rothmund-Thomson syndrome (RTS). Also called: Poikiloderma Congenitale; Poikiloderma of Rothmund-Thomson. Identifiers: Orphanet 2909, MedGen C0032339, MONDO:0010002.
Rapadilino syndrome. Identifiers: Orphanet 3021, MedGen C1849453, MONDO:0009955, OMIM 266280.
Baller-Gerold syndrome (BGS). Also called: CRANIOSYNOSTOSIS WITH RADIAL DEFECTS. Identifiers: Orphanet 1225, MedGen C0265308, MONDO:0009039, OMIM 218600.

gnomAD v4.1: 5 of 1,581,154 alleles (0.00032%); highest among the groups gnomAD compares: African/African-American, 0.0013%; no homozygotes.

Submissions (3):

Ambry Genetics
Classification: Uncertain significance for Inborn genetic diseases. Last evaluated: 2024-11-30. Review status: criteria provided, single submitter. Criteria: Ambry Variant Classification Scheme 2023. Collection method: clinical testing. Allele origin: germline.
Comment: The p.R647G variant (also known as c.1939C>G), located in coding exon 12 of the RECQL4 gene, results from a C to G substitution at nucleotide position 1939. The arginine at codon 647 is replaced by glycine, an amino acid with dissimilar properties. This amino acid position is conserved. In addition, this alteration is predicted to be tolerated by in silico analysis. Based on the available evidence, the clinical significance of this variant remains unclear.

Labcorp Genetics (formerly Invitae), Labcorp
Classification: Uncertain significance for Baller-Gerold syndrome. Last evaluated: 2021-12-09. Review status: criteria provided, single submitter. Criteria: Invitae Variant Classification Sherloc (09022015). Collection method: clinical testing. Allele origin: germline.
Comment: This sequence change replaces arginine with glycine at codon 647 of the RECQL4 protein (p.Arg647Gly). The arginine residue is weakly conserved and there is a moderate physicochemical difference between arginine and glycine. This variant is not present in population databases (gnomAD no frequency). This variant has not been reported in the literature in individuals affected with RECQL4-related conditions. ClinVar contains an entry for this variant (Variation ID: 459358). In summary, the available evidence is currently insufficient to determine the role of this variant in disease. Therefore, it has been classified as a Variant of Uncertain Significance.

Fulgent Genetics
Classification: Uncertain significance for Baller-Gerold syndrome; Rapadilino syndrome; Rothmund-Thomson syndrome type 2. Last evaluated: 2018-10-31. Review status: criteria provided, single submitter. Criteria: ACMG Guidelines, 2015. Collection method: clinical testing. Allele origin: unknown.